The following is an entry in ClinVar:

ClinVar aggregate classification (germline): Uncertain significance (1 of 4 stars; one submission).

Conditions:
Hereditary cancer-predisposing syndrome. Also called: Neoplastic Syndromes, Hereditary; Tumor predisposition; Hereditary Cancer Syndrome; Hereditary neoplastic syndrome. Identifiers: Orphanet 140162, MedGen C0027672, MeSH D009386, MONDO:0015356.

gnomAD v4.1: 7 of 1,499,444 alleles (0.00047%); highest among the groups gnomAD compares: Admixed American, 0.0021%; no homozygotes.

Submission:

Ambry Genetics
Classification: Uncertain significance for Hereditary cancer-predisposing syndrome. Last evaluated: 2025-12-02. Review status: criteria provided, single submitter. Criteria: Ambry Variant Classification Scheme 2023. Collection method: clinical testing. Allele origin: germline.
Comment: The c.-3T>C variant is located in the 5' untranslated region (5&rsquo; UTR) of the POLE gene. This variant results from a T to C substitution 3 bases upstream from the first translated codon. This nucleotide position is poorly conserved in available vertebrate species. Based on the available evidence, the clinical significance of this variant remains unclear.

NM_006231.4(POLE):c.-3T>C

Genes: POLE (DNA polymerase epsilon, catalytic subunit; minus strand), LOC130009266 (ATAC-STARR-seq lymphoblastoid silent region 5123; plus strand). Cytogenetic location: 12q24.33.
Variant type: single nucleotide variant.
Coding change: c.-3T>C on transcript NM_006231.4 (MANE Select); 3 bases upstream of the start codon, T replaced by C.
Molecular consequence: 5 prime UTR variant.
Genome position (GRCh38, 1-based): chr12:132,687,318, A>G on the plus strand (T>C on the coding strand, the complement: POLE is on the minus strand). VCF-style: chr12-132687318-A-G. GRCh37 (hg19) VCF-style: chr12-133263904-A-G.
Identifiers: ClinVar variation 4671014 (VCV004671014.1).